The following is an entry in ClinVar:

NM_014491.4(FOXP2):c.1796C>T (p.Pro599Leu)

Gene: FOXP2 (forkhead box P2; plus strand). Cytogenetic location: 7q31.1.
Variant type: single nucleotide variant.
Coding change: c.1796C>T on transcript NM_014491.4 (MANE Select); coding-DNA position 1796, C replaced by T.
Protein change: p.Pro599Leu; replaces proline 599 with leucine.
Molecular consequence: missense variant. On other transcripts: non-coding transcript variant (2).
Genome position (GRCh38, 1-based): chr7:114,663,476, C>T. VCF-style: chr7-114663476-C-T. GRCh37 (hg19) VCF-style: chr7-114303531-C-T.
Other names: c.1793C>T, p.Pro598Leu (NM_001172766.3); c.1871C>T, p.Pro624Leu (NM_148898.4); c.1847C>T, p.Pro616Leu (NM_148900.4); short protein forms P598L, P599L, P616L, P624L.
Identifiers: ClinVar variation 3343717 (VCV003343717.1).

ClinVar aggregate classification (germline): Uncertain significance (1 of 4 stars; one submission).

Submission:

GeneDx
Classification: Uncertain significance. Last evaluated: 2023-06-05. Review status: criteria provided, single submitter. Criteria: GeneDx Variant Classification Process June 2021. Collection method: clinical testing. Allele origin: germline. Affected: yes.
Comment: Not observed at significant frequency in large population cohorts (gnomAD); In silico analysis supports that this missense variant does not alter protein structure/function; Has not been previously published as pathogenic or benign to our knowledge